The following is an entry in ClinVar:

ClinVar aggregate classification (germline): Uncertain significance. Review status: criteria provided, multiple submitters, no conflicts (2 of 4 stars). 3 submissions from 3 submitters: Uncertain significance (3). Last evaluated 2025-08-05.

Conditions:
Short-rib thoracic dysplasia 6 with or without polydactyly (SRTD6). Also called: SHORT RIB-POLYDACTYLY SYNDROME, TYPE IIA; POLYDACTYLY WITH NEONATAL CHONDRODYSTROPHY, TYPE II; Majewski Syndrome; SHORT-RIB THORACIC DYSPLASIA 6 WITH POLYDACTYLY; SHORT-RIB THORACIC DYSPLASIA 6 WITHOUT POLYDACTYLY. Identifiers: MedGen C0024507, MONDO:0009894, OMIM 263520.
Inborn genetic diseases. Identifiers: MedGen C0950123, MeSH D030342.

Allele frequency attached by ClinVar (database versions not stated): gnomAD exomes 0.00001 and 0.00003; ExAC 0.00006; gnomAD 0.00011 and 0.00012; TOPMed 0.00015; ESP Exome Variant Server 0.00026; 1000 Genomes Project 0.00060; 1000 Genomes Project 30x 0.00062.
gnomAD v4.1: 30 of 1,609,768 alleles (0.0019%); highest among the groups gnomAD compares: African/African-American, 0.037%; no homozygotes.

Submissions (3):

Ambry Genetics
Classification: Uncertain significance for Inborn genetic diseases. Last evaluated: 2025-08-05. Review status: criteria provided, single submitter. Criteria: Ambry Variant Classification Scheme 2023. Collection method: clinical testing. Allele origin: germline.

GeneDx
Classification: Uncertain significance. Last evaluated: 2024-12-31. Review status: criteria provided, single submitter. Criteria: GeneDx Variant Classification Process June 2021. Collection method: clinical testing. Allele origin: germline. Affected: yes.
Comment: In silico analysis supports that this missense variant has a deleterious effect on protein structure/function; Has not been previously published as pathogenic or benign to our knowledge

Labcorp Genetics (formerly Invitae), Labcorp
Classification: Uncertain significance for Short-rib thoracic dysplasia 6 with or without polydactyly. Last evaluated: 2024-03-26. Review status: criteria provided, single submitter. Criteria: Invitae Variant Classification Sherloc (09022015). Collection method: clinical testing. Allele origin: germline.
Comment: This sequence change replaces serine, which is neutral and polar, with cysteine, which is neutral and slightly polar, at codon 806 of the NEK1 protein (p.Ser806Cys). This variant is present in population databases (rs187263822, gnomAD 0.04%). This variant has not been reported in the literature in individuals affected with NEK1-related conditions. ClinVar contains an entry for this variant (Variation ID: 1405391). Advanced modeling of protein sequence and biophysical properties (such as structural, functional, and spatial information, amino acid conservation, physicochemical variation, residue mobility, and thermodynamic stability) has been performed at Invitae for this missense variant, however the output from this modeling did not meet the statistical confidence thresholds required to predict the impact of this variant on NEK1 protein function. In summary, the available evidence is currently insufficient to determine the role of this variant in disease. Therefore, it has been classified as a Variant of Uncertain Significance.

NM_001199397.3(NEK1):c.2500A>T (p.Ser834Cys)

Gene: NEK1 (NIMA related kinase 1; minus strand). Cytogenetic location: 4q33.
Variant type: single nucleotide variant.
Coding change: c.2500A>T on transcript NM_001199397.3 (MANE Select); coding-DNA position 2500, A replaced by T.
Protein change: p.Ser834Cys; replaces serine 834 with cysteine.
Molecular consequence: missense variant. On other transcripts: non-coding transcript variant (1).
Genome position (GRCh38, 1-based): chr4:169,463,330, T>A on the plus strand (A>T on the coding strand, the complement: NEK1 is on the minus strand). VCF-style: chr4-169463330-T-A. GRCh37 (hg19) VCF-style: chr4-170384481-T-A.
Other names: c.2368A>T, p.Ser790Cys (NM_001199398.3); c.2209A>T, p.Ser737Cys (NM_001199399.3); c.2284A>T, p.Ser762Cys (NM_001199400.3); c.2500A>T, p.Ser834Cys (NM_001374418.1); c.2416A>T, p.Ser806Cys (NM_001374419.1, NM_012224.4); c.2365A>T, p.Ser789Cys (NM_001374420.1); c.2194A>T, p.Ser732Cys (NM_001374421.1); c.2416A>T (NM_012224.2); short protein forms S790C, S806C, S737C, S762C, S834C, S732C, S789C.
Identifiers: ClinVar variation 1405391 (VCV001405391.10), dbSNP rs187263822, ClinGen allele CA3137393.
Genomic context (GRCh38, chr4:169,463,330, plus strand): 5'-GTTCTGTCTGAAGTTGTAGTTCAGCTTCTCCAAGTATCTTTAGAACAGAATCTGTCGGAC[T>A]TTTCCCCCAGGCTCTTCTTGGAGATCCATTAGGACCTAATTTAATAACTTCTCCCACTGT-3'
Protein context (NP_001186326.1, residues 824-844): NGSPRRAWGK[Ser834Cys]PTDSVLKILG